The following is an entry in ClinVar:

NM_001378743.1(CYLD):c.1919T>C (p.Leu640Pro)

Genes: CYLD (CYLD lysine 63 deubiquitinase; plus strand), CYLD-AS2 (CYLD antisense RNA 2; minus strand). Cytogenetic location: 16q12.1.
Variant type: single nucleotide variant.
Coding change: c.1919T>C on transcript NM_001378743.1 (MANE Select); coding-DNA position 1919, T replaced by C.
Protein change: p.Leu640Pro; replaces leucine 640 with proline.
Molecular consequence: missense variant. On other transcripts: non-coding transcript variant (1).
Genome position (GRCh38, 1-based): chr16:50,784,421, T>C. VCF-style: chr16-50784421-T-C. GRCh37 (hg19) VCF-style: chr16-50818332-T-C.
Other names: c.1910T>C, p.Leu637Pro (NM_001378745.1, NM_001378746.1, NM_001378747.1 and 6 more transcripts); c.1880T>C, p.Leu627Pro (NM_001378751.1, NM_001378752.1, NM_001378753.1); c.1244T>C, p.Leu415Pro (NM_001378754.1, NM_001378755.1); c.1919T>C, p.Leu640Pro (NM_015247.3); short protein forms L627P, L637P, L640P, L415P.
Identifiers: ClinVar variation 3702807 (VCV003702807.2).

ClinVar aggregate classification (germline): Uncertain significance (1 of 4 stars; one submission).

Submission:

Labcorp Genetics (formerly Invitae), Labcorp
Classification: Uncertain significance. Last evaluated: 2024-11-28. Review status: criteria provided, single submitter. Criteria: Invitae Variant Classification Sherloc (09022015). Collection method: clinical testing. Allele origin: germline.
Comment: This sequence change replaces leucine, which is neutral and non-polar, with proline, which is neutral and non-polar, at codon 640 of the CYLD protein (p.Leu640Pro). This variant is not present in population databases (gnomAD no frequency). This variant has not been reported in the literature in individuals affected with CYLD-related conditions. Invitae Evidence Modeling of protein sequence and biophysical properties (such as structural, functional, and spatial information, amino acid conservation, physicochemical variation, residue mobility, and thermodynamic stability) indicates that this missense variant is expected to disrupt CYLD protein function with a positive predictive value of 80%. In summary, the available evidence is currently insufficient to determine the role of this variant in disease. Therefore, it has been classified as a Variant of Uncertain Significance.